The following is an entry in ClinVar:

ClinVar aggregate classification (germline): Uncertain significance (1 of 4 stars; one submission).

Conditions:
Global developmental delay with or without impaired intellectual development. Identifiers: MedGen C5193032, MONDO:0032680, OMIM 618330.

gnomAD v4.1: 1 of 1,614,018 alleles (0.000062%); highest among the groups gnomAD compares: Non-Finnish European, 0.000085%; no homozygotes.

Submission:

Neuberg Centre For Genomic Medicine, NCGM
Classification: Uncertain significance for Global developmental delay with or without impaired intellectual development. Last evaluated: 2023-05-20. Review status: criteria provided, single submitter. Criteria: ACMG Guidelines, 2015. Collection method: clinical testing. Allele origin: germline. Inheritance: Autosomal dominant inheritance. Affected: yes.
Comment: The observed missense variant c.3745G>A(p.Val1249Met) in CUX1 gene has not been reported previously as a pathogenic variant nor as a benign variant, to our knowledge. The c.3745G>A variant is absent in gnomAD Exomes.The amino acid Valine at position 1249 is changed to a Methionine changing protein sequence and it might alter its composition and physico-chemical properties. Multiple lines of computational evidence (Polyphen-damaging, SIFT-damaging and Mutation Taster-disease causing) predict a damaging effect on protein structure and function for this variant. The reference amino acid p.Val1249Met in CUX1 is predicted as conserved by GERP++ and PhyloP across 100 vertebrates. For these reasons, this variant has been classified as Uncertain Significance.

NM_181552.4(CUX1):c.3745G>A (p.Val1249Met)

Gene: CUX1 (cut like homeobox 1; plus strand). Cytogenetic location: 7q22.1.
Variant type: single nucleotide variant.
Coding change: c.3745G>A on transcript NM_181552.4 (MANE Select); coding-DNA position 3745, G replaced by A.
Protein change: p.Val1249Met; replaces valine 1249 with methionine.
Molecular consequence: missense variant. On other transcripts: intron variant (5).
Genome position (GRCh38, 1-based): chr7:102,239,442, G>A. VCF-style: chr7-102239442-G-A. GRCh37 (hg19) VCF-style: chr7-101882722-G-A.
Other names: c.3778G>A, p.Val1260Met (NM_001202543.2); c.1256-33924G>A (NM_001913.5); c.1250-33924G>A (NM_181500.4); c.1118-33924G>A (NM_001202545.3); c.1208-33924G>A (NM_001202544.3); c.1139-33924G>A (NM_001202546.3); short protein forms V1249M, V1260M.
Identifiers: ClinVar variation 3367099 (VCV003367099.1).